The following is an entry in ClinVar:

NM_014423.4(AFF4):c.1226+17_1226+21del

Gene: AFF4 (ALF transcription elongation factor 4; minus strand). Cytogenetic location: 5q31.1.
Variant type: Microsatellite.
Coding change: c.1226+17_1226+21del on transcript NM_014423.4 (MANE Select); bases 17 to 21 of the intron after coding-DNA position 1226, 5 bases deleted (TTTCT; older notation c.1226+17_1226+21delTTTCT).
Molecular consequence: intron variant.
Genome position (GRCh38, 1-based): chr5:132,899,083-132,899,087, AGAAA deleted on the plus strand (TTTCT on the coding strand, the reverse complement: AFF4 is on the minus strand); deleting any 5 consecutive bases within chr5:132,899,083-132,899,094 gives the same sequence; the c. name uses the placement nearest the transcript's 3' end. VCF-style (leftmost placement, unchanged base first): chr5-132899082-CAGAAA-C. GRCh37 (hg19) VCF-style: chr5-132234774-CAGAAA-C.
Identifiers: ClinVar variation 2062491 (VCV002062491.4), dbSNP rs1452925041, ClinGen allele CA562782177.
Genomic context (GRCh38, chr5:132,899,082, plus strand): 5'-TAAGGCCACTTATTATATCCCTGCAATGTTATCAGGCTGACCCAACTCTTACCAATAAAA[CAGAAA>C]AGAAAAGGATGCCCACCTTCCTGGTGTACTCCTCGGCATTGTCTTATCACAATCCTAAAA-3'

ClinVar aggregate classification (germline): Uncertain significance (1 of 4 stars; one submission).

Conditions:
Cognitive impairment - coarse facies - heart defects - obesity - pulmonary involvement - short stature - skeletal dysplasia syndrome. Also called: Chops syndrome; AFF4-Related CHOPS Syndrome; COGNITIVE IMPAIRMENT, COARSE FACIES, HEART DEFECTS, OBESITY, PULMONARY INVOLVEMENT, SHORT STATURE, AND SKELETAL DYSPLASIA. Identifiers: Orphanet 444077, MedGen C4085597, MONDO:0014609, OMIM 616368.

Submission:

Labcorp Genetics (formerly Invitae), Labcorp
Classification: Uncertain significance for Cognitive impairment - coarse facies - heart defects - obesity - pulmonary involvement - short stature - skeletal dysplasia syndrome. Last evaluated: 2024-05-02. Review status: criteria provided, single submitter. Criteria: Invitae Variant Classification Sherloc (09022015). Collection method: clinical testing. Allele origin: germline.
Comment: This sequence change falls in intron 9 of the AFF4 gene. It does not directly change the encoded amino acid sequence of the AFF4 protein. This variant is present in population databases (no rsID available, gnomAD 0.003%). This variant has not been reported in the literature in individuals affected with AFF4-related conditions. Algorithms developed to predict the effect of sequence changes on RNA splicing suggest that this variant may create or strengthen a splice site. In summary, the available evidence is currently insufficient to determine the role of this variant in disease. Therefore, it has been classified as a Variant of Uncertain Significance.